The following is an entry in ClinVar:

NC_000010.10:g.(?_14981799)_(14981878_?)del

Gene: DCLRE1C (DNA cross-link repair 1C; minus strand). Cytogenetic location: 10p13.
Variant type: Deletion.
Identifiers: ClinVar variation 2423514 (VCV002423514.2).

ClinVar aggregate classification (germline): Uncertain significance (1 of 4 stars; one submission).

Conditions:
Severe combined immunodeficiency due to DCLRE1C deficiency (RS-SCID). Also called: SCID, AUTOSOMAL RECESSIVE, T CELL-NEGATIVE, B CELL-NEGATIVE, NK CELL-POSITIVE, WITH SENSITIVITY TO IONIZING RADIATION. Identifiers: Orphanet 275, MedGen C1865371, MONDO:0011225, OMIM 602450.

Submission:

Labcorp Genetics (formerly Invitae), Labcorp
Classification: Uncertain significance for Athabaskan severe combined immunodeficiency. Last evaluated: 2022-07-06. Review status: criteria provided, single submitter. Criteria: Invitae Variant Classification Sherloc (09022015). Collection method: clinical testing. Allele origin: germline.
Comment: This variant is a gross deletion of the genomic region encompassing exon(s) 4 of the DCLRE1C gene. This variant would be expected to be in-frame, preserving the integrity of the reading frame. This variant has not been reported in the literature in individuals affected with DCLRE1C-related conditions. In summary, the available evidence is currently insufficient to determine the role of this variant in disease. Therefore, it has been classified as a Variant of Uncertain Significance.